The following is an entry in ClinVar:

ClinVar aggregate classification (germline): Uncertain significance (1 of 4 stars; one submission).

Submission:

Labcorp Genetics (formerly Invitae), Labcorp
Classification: Uncertain significance. Last evaluated: 2025-02-06. Review status: criteria provided, single submitter. Criteria: Invitae Variant Classification Sherloc (09022015). Collection method: clinical testing. Allele origin: germline.
Comment: This sequence change replaces arginine, which is basic and polar, with glutamine, which is neutral and polar, at codon 141 of the PPP1CB protein (p.Arg141Gln). This variant is not present in population databases (gnomAD no frequency). This variant has not been reported in the literature in individuals affected with PPP1CB-related conditions. Invitae Evidence Modeling of protein sequence and biophysical properties (such as structural, functional, and spatial information, amino acid conservation, physicochemical variation, residue mobility, and thermodynamic stability) indicates that this missense variant is not expected to disrupt PPP1CB protein function with a negative predictive value of 80%. In summary, the available evidence is currently insufficient to determine the role of this variant in disease. Therefore, it has been classified as a Variant of Uncertain Significance.

NM_002709.3(PPP1CB):c.422G>A (p.Arg141Gln)

Gene: PPP1CB (protein phosphatase 1 catalytic subunit beta; plus strand). Cytogenetic location: 2p23.2.
Variant type: single nucleotide variant.
Coding change: c.422G>A on transcript NM_002709.3 (MANE Select); coding-DNA position 422, G replaced by A.
Protein change: p.Arg141Gln; replaces arginine 141 with glutamine.
Molecular consequence: missense variant.
Genome position (GRCh38, 1-based): chr2:28,781,744, G>A. VCF-style: chr2-28781744-G-A. GRCh37 (hg19) VCF-style: chr2-29004610-G-A.
Other names: c.422G>A, p.Arg141Gln (NM_206876.2); short protein forms R141Q.
Identifiers: ClinVar variation 4774057 (VCV004774057.1).